The following is an entry in ClinVar:

NM_001330588.2(TPP2):c.620+10G>A

Gene: TPP2 (tripeptidyl peptidase 2; plus strand). Cytogenetic location: 13q33.1.
Variant type: single nucleotide variant.
Coding change: c.620+10G>A on transcript NM_001330588.2 (MANE Select); 10 bases into the intron after coding-DNA position 620, G replaced by A.
Molecular consequence: intron variant.
Genome position (GRCh38, 1-based): chr13:102,618,856, G>A. VCF-style: chr13-102618856-G-A. GRCh37 (hg19) VCF-style: chr13-103271206-G-A.
Other names: p.?; c.620+10G>A (NM_001367947.1, NM_003291.4).
Identifiers: ClinVar variation 1170501 (VCV001170501.15), dbSNP rs4576935, ClinGen allele CA7037557.

ClinVar aggregate classification (germline): Benign. Review status: criteria provided, multiple submitters, no conflicts (2 of 4 stars). 4 submissions from 4 submitters: Benign (4). Last evaluated 2026-02-04.

Conditions:
Evans syndrome, immunodeficiency, and premature immunosenescence associated with tripeptidyl-peptidase II deficiency. Identifiers: MedGen CN231723. Disease mechanism: loss of function.

Allele frequency attached by ClinVar (database versions not stated): ESP Exome Variant Server 0.52168; TOPMed 0.49555; gnomAD exomes 0.44753 and 0.47158; gnomAD 0.49557 and 0.50076; ExAC 0.44954; 1000 Genomes Project 0.47264; 1000 Genomes Project 30x 0.47361.
gnomAD v4.1: 756,326 of 1,597,304 alleles (47%); highest among the groups gnomAD compares: African/African-American, 60%; 181,213 homozygotes.

Submissions (5):

Labcorp Genetics (formerly Invitae), Labcorp
Classification: Benign for Evans syndrome, immunodeficiency, and premature immunosenescence associated with tripeptidyl-peptidase II deficiency. Last evaluated: 2026-02-04. Review status: criteria provided, single submitter. Criteria: Invitae Variant Classification Sherloc (09022015). Collection method: clinical testing. Allele origin: germline.

Unidad de Genómica Garrahan, Hospital de Pediatría Garrahan
Classification: Benign. Last evaluated: 2023-11-12. Review status: criteria provided, single submitter. Criteria: ACMG Guidelines, 2015. Collection method: clinical testing. Allele origin: germline. Affected: no. Observed: 54 variant alleles.
Comment: This variant is classified as Benign based on local population frequency. This variant was detected in 56% of patients studied by a panel of primary immunodeficiencies. Number of patients: 54. Only high quality variants are reported.

Mayo Clinic Laboratories, Mayo Clinic
Classification: Benign. Last evaluated: 2022-09-06. Review status: criteria provided, single submitter. Criteria: ACMG Guidelines, 2015. Collection method: clinical testing. Allele origin: germline. Observed: 476 variant alleles.

Breakthrough Genomics
Classification: Benign. Review status: criteria provided, single submitter. Criteria: ACMG Guidelines, 2015. Collection method: not provided. Allele origin: germline. Inheritance: Autosomal recessive inheritance. Affected: yes.

Dr. Peter K. Rogan Lab, Western University
No classification provided (evidence only). Condition: Hepatocellular carcinoma. Review status: no classification provided. Collection method: in vitro. Allele origin: not applicable. Functional consequence: retained intron. Not counted in ClinVar's aggregate classification.